The following is an entry in ClinVar:

NM_198282.4(STING1):c.620G>A (p.Gly207Glu)

Gene: STING1 (stimulator of interferon response cGAMP interactor 1; minus strand). Cytogenetic location: 5q31.2.
Variant type: single nucleotide variant.
Coding change: c.620G>A on transcript NM_198282.4 (MANE Select); coding-DNA position 620, G replaced by A.
Protein change: p.Gly207Glu; replaces glycine 207 with glutamic acid.
Molecular consequence: missense variant.
Genome position (GRCh38, 1-based): chr5:139,478,409, C>T on the plus strand (G>A on the coding strand, the complement: STING1 is on the minus strand). VCF-style: chr5-139478409-C-T. GRCh37 (hg19) VCF-style: chr5-138857994-C-T.
Other names: c.620G>A, p.Gly207Glu (NM_001301738.2); c.263G>A, p.Gly88Glu (NM_001367258.1); short protein forms G207E, G88E.
Identifiers: ClinVar variation 2971464 (VCV002971464.3), dbSNP rs2547063041, ClinGen allele CA361480157.
Genomic context (GRCh38, chr5:139,478,409, plus strand): 5'-TGGGGCAGTTTATCCAGGAAGCGAATGTTGGGGTCAGCCATACTCAGGTTATCAGGCACC[C>T]CACAGTCCAATGGGAGGAGAATATACAGCCGCTGGCTCACTGCACCCCGTAGCAGGTTGT-3'
Protein context (NP_938023.1, residues 197-217): RLYILLPLDC[Gly207Glu]VPDNLSMADP

ClinVar aggregate classification (germline): Uncertain significance (1 of 4 stars; one submission).

Conditions:
STING-associated vasculopathy with onset in infancy. Also called: Sting-associated vasculopathy, infantile-onset. Identifiers: Orphanet 425120, MedGen C4014722, MONDO:0014405, OMIM 615934.

Submission:

Labcorp Genetics (formerly Invitae), Labcorp
Classification: Uncertain significance for STING-associated vasculopathy with onset in infancy. Last evaluated: 2023-07-22. Review status: criteria provided, single submitter. Criteria: Invitae Variant Classification Sherloc (09022015). Collection method: clinical testing. Allele origin: germline.
Comment: In summary, the available evidence is currently insufficient to determine the role of this variant in disease. Therefore, it has been classified as a Variant of Uncertain Significance. Experimental studies have shown that this missense change affects TMEM173 function (PMID: 31866997). Advanced modeling of protein sequence and biophysical properties (such as structural, functional, and spatial information, amino acid conservation, physicochemical variation, residue mobility, and thermodynamic stability) performed at Invitae indicates that this missense variant is not expected to disrupt TMEM173 protein function. This missense change has been observed in individual(s) with clinical features of STING-associated vasculopathy (PMID: 31866997; Invitae). It has also been observed to segregate with disease in related individuals. This variant is not present in population databases (gnomAD no frequency). This sequence change replaces glycine, which is neutral and non-polar, with glutamic acid, which is acidic and polar, at codon 207 of the TMEM173 protein (p.Gly207Glu).

Literature cited by the submitters: PubMed 31866997.